The following is an entry in ClinVar:

NM_015557.3(CHD5):c.4260+5G>T

Gene: CHD5 (chromodomain helicase DNA binding protein 5; minus strand). Cytogenetic location: 1p36.31.
Variant type: single nucleotide variant.
Coding change: c.4260+5G>T on transcript NM_015557.3 (MANE Select); 5 bases into the intron after coding-DNA position 4260, G replaced by T.
Molecular consequence: intron variant.
Genome position (GRCh38, 1-based): chr1:6,125,519, C>A on the plus strand (G>T on the coding strand, the complement: CHD5 is on the minus strand). VCF-style: chr1-6125519-C-A. GRCh37 (hg19) VCF-style: chr1-6185579-C-A.
Identifiers: ClinVar variation 1310606 (VCV001310606.2), dbSNP rs1666541774, ClinGen allele CA2573051601.

ClinVar aggregate classification (germline): Uncertain significance (1 of 4 stars; one submission).

Submission:

GeneDx
Classification: Uncertain significance. Last evaluated: 2019-09-09. Review status: criteria provided, single submitter. Criteria: GeneDx Variant Classification Process June 2021. Collection method: clinical testing. Allele origin: germline. Affected: yes.
Comment: Not observed in large population cohorts (Lek et al., 2016); Non-canonical splice site variant demonstrated to result in loss-of-function in a gene for which loss-of-function is not a well-established mechanism of disease; Has not been previously published as pathogenic or benign to our knowledge; Variants in candidate genes are classified as variants of uncertain significance in accordance with ACMG guidelines (Richards et al., 2015)